The following is an entry in ClinVar:

NM_006158.5(NEFL):c.1154A>T (p.Glu385Val)

Genes: NEFL (neurofilament light chain; minus strand), LOC126860330 (BRD4-independent group 4 enhancer GRCh37_chr8:24811677-24812876; plus strand). Cytogenetic location: 8p21.2.
Variant type: single nucleotide variant.
Coding change: c.1154A>T on transcript NM_006158.5 (MANE Select); coding-DNA position 1154, A replaced by T.
Protein change: p.Glu385Val; replaces glutamic acid 385 with valine.
Molecular consequence: missense variant.
Genome position (GRCh38, 1-based): chr8:24,954,196, T>A on the plus strand (A>T on the coding strand, the complement: NEFL is on the minus strand). VCF-style: chr8-24954196-T-A. GRCh37 (hg19) VCF-style: chr8-24811710-T-A.
Other names: short protein forms E385V.
Identifiers: ClinVar variation 568237 (VCV000568237.4), dbSNP rs1563251398, ClinGen allele CA370620789.
Genomic context (GRCh38, chr8:24,954,196, plus strand): 5'-CTTCCTAAGGTTTAATGGCTGCTGTCTTTGCCCCTCTATTTTCACCTGTAAGCTGCAATC[T>A]CAATATCCAAAGCCATCTTCACGTTGAGGAGGTCTTGGTATTCTTTTAGGTATCGTGCCA-3'
Protein context (NP_006149.2, residues 375-395): LLNVKMALDI[Glu385Val]IAAYRKLLEG

ClinVar aggregate classification (germline): Uncertain significance (1 of 4 stars; one submission).

Conditions:
Charcot-Marie-Tooth disease type 2E (CMT2E). Also called: CHARCOT-MARIE-TOOTH NEUROPATHY, TYPE 2E; CHARCOT-MARIE-TOOTH DISEASE, AXONAL, TYPE 2E. Identifiers: Orphanet 99939, MedGen C1843225, MONDO:0011894, OMIM 607684.

Submission:

Labcorp Genetics (formerly Invitae), Labcorp
Classification: Uncertain significance for Charcot-Marie-Tooth disease type 2E. Last evaluated: 2023-02-16. Review status: criteria provided, single submitter. Criteria: Invitae Variant Classification Sherloc (09022015). Collection method: clinical testing. Allele origin: germline.
Comment: This sequence change replaces glutamic acid, which is acidic and polar, with valine, which is neutral and non-polar, at codon 385 of the NEFL protein (p.Glu385Val). This variant is not present in population databases (gnomAD no frequency). This variant has not been reported in the literature in individuals affected with NEFL-related conditions. ClinVar contains an entry for this variant (Variation ID: 568237). Advanced modeling of protein sequence and biophysical properties (such as structural, functional, and spatial information, amino acid conservation, physicochemical variation, residue mobility, and thermodynamic stability) performed at Invitae indicates that this missense variant is expected to disrupt NEFL protein function. In summary, the available evidence is currently insufficient to determine the role of this variant in disease. Therefore, it has been classified as a Variant of Uncertain Significance.